The following is an entry in ClinVar:

NM_000124.4(ERCC6):c.501del (p.Asn168fs)

Gene: ERCC6 (ERCC excision repair 6, chromatin remodeling factor; minus strand). Cytogenetic location: 10q11.23.
Variant type: Deletion.
Coding change: c.501del on transcript NM_000124.4 (MANE Select); coding-DNA position 501, one base deleted (C; older notation c.501delC).
Protein change: p.Asn168fs; shifts the reading frame from asparagine 168.
Molecular consequence: frameshift variant.
Genome position (GRCh38, 1-based): chr10:49,530,762, G deleted on the plus strand (C on the coding strand, the reverse complement: ERCC6 is on the minus strand). VCF-style (leftmost placement, unchanged base first): chr10-49530761-TG-T. GRCh37 (hg19) VCF-style: chr10-50738807-TG-T.
Other names: c.501del, p.Asn168fs (NM_001277058.2, NM_001277059.2, NM_001346440.2); short protein forms N168fs.
Identifiers: ClinVar variation 4727409 (VCV004727409.1).

ClinVar aggregate classification (germline): Pathogenic (1 of 4 stars; one submission).

Submission:

Labcorp Genetics (formerly Invitae), Labcorp
Classification: Pathogenic. Last evaluated: 2025-09-23. Review status: criteria provided, single submitter. Criteria: Invitae Variant Classification Sherloc (09022015). Collection method: clinical testing. Allele origin: germline.
Comment: This sequence change creates a premature translational stop signal (p.Asn168Thrfs*4) in the ERCC6 gene. It is expected to result in an absent or disrupted protein product. Loss-of-function variants in ERCC6 are known to be pathogenic (PMID: 18628313, 29572252). This variant is not present in population databases (gnomAD no frequency). This variant has not been reported in the literature in individuals affected with ERCC6-related conditions. Algorithms developed to predict the effect of sequence changes on RNA splicing suggest that this variant may disrupt the consensus splice site. For these reasons, this variant has been classified as Pathogenic.

Literature cited by the submitters: PubMed 18628313; PubMed 29572252.